The following is an entry in ClinVar:

NM_006005.3(WFS1):c.2032T>A (p.Trp678Arg)

Gene: WFS1 (wolframin ER transmembrane glycoprotein; plus strand). Cytogenetic location: 4p16.1.
Variant type: single nucleotide variant.
Coding change: c.2032T>A on transcript NM_006005.3 (MANE Select); coding-DNA position 2032, T replaced by A.
Protein change: p.Trp678Arg; replaces tryptophan 678 with arginine.
Molecular consequence: missense variant.
Genome position (GRCh38, 1-based): chr4:6,301,827, T>A. VCF-style: chr4-6301827-T-A. GRCh37 (hg19) VCF-style: chr4-6303554-T-A.
Other names: c.2032T>A, p.Trp678Arg (NM_001145853.1); short protein forms W678R.
Identifiers: ClinVar variation 2581841 (VCV002581841.1), dbSNP rs1578611784, ClinGen allele CA356177562.

ClinVar aggregate classification (germline): Uncertain significance (1 of 4 stars; one submission).

Submission:

GeneDx
Classification: Uncertain significance. Last evaluated: 2023-03-30. Review status: criteria provided, single submitter. Criteria: GeneDx Variant Classification Process June 2021. Collection method: clinical testing. Allele origin: germline. Affected: yes.
Comment: Not observed at significant frequency in large population cohorts (gnomAD); In silico analysis supports that this missense variant has a deleterious effect on protein structure/function; Has not been previously published as pathogenic or benign to our knowledge